The following is an entry in ClinVar:

NM_032444.4(SLX4):c.3068C>A (p.Ala1023Asp)

Gene: SLX4 (SLX4 structure-specific endonuclease subunit; minus strand). Cytogenetic location: 16p13.3.
Variant type: single nucleotide variant.
Coding change: c.3068C>A on transcript NM_032444.4 (MANE Select); coding-DNA position 3068, C replaced by A.
Protein change: p.Ala1023Asp; replaces alanine 1023 with aspartic acid.
Molecular consequence: missense variant.
Genome position (GRCh38, 1-based): chr16:3,590,570, G>T on the plus strand (C>A on the coding strand, the complement: SLX4 is on the minus strand). VCF-style: chr16-3590570-G-T. GRCh37 (hg19) VCF-style: chr16-3640571-G-T.
Other names: short protein forms A1023D.
Identifiers: ClinVar variation 885329 (VCV000885329.14), dbSNP rs769271628, ClinGen allele CA7866004.

ClinVar aggregate classification (germline): Uncertain significance. Review status: criteria provided, multiple submitters, no conflicts (2 of 4 stars). 5 submissions from 5 submitters: Uncertain significance (5). Last evaluated 2025-11-12.

Conditions:
Fanconi anemia complementation group P. Also called: SLX4-Related Fanconi Anemia. Identifiers: Orphanet 84, MedGen C3469542, MONDO:0013499, OMIM 613951.
Fanconi anemia (FA). Also called: Fanconi's anemia. Identifiers: Orphanet 84, MedGen C0015625, MeSH D005199, MONDO:0019391.
Inborn genetic diseases. Identifiers: MedGen C0950123, MeSH D030342.

Allele frequency attached by ClinVar (database versions not stated): gnomAD exomes below 0.00001 and 0.00001; ExAC 0.00001; TOPMed 0.00005; gnomAD 0.00006.
gnomAD v4.1: 17 of 1,612,678 alleles (0.0011%); highest among the groups gnomAD compares: African/African-American, 0.02%; no homozygotes.

Submissions (5):

Ambry Genetics
Classification: Uncertain significance for Inborn genetic diseases. Last evaluated: 2025-11-12. Review status: criteria provided, single submitter. Criteria: Ambry Variant Classification Scheme 2023. Collection method: clinical testing. Allele origin: germline.

Labcorp Genetics (formerly Invitae), Labcorp
Classification: Uncertain significance for Fanconi anemia. Last evaluated: 2022-10-21. Review status: criteria provided, single submitter. Criteria: Invitae Variant Classification Sherloc (09022015). Collection method: clinical testing. Allele origin: germline.
Comment: This sequence change replaces alanine, which is neutral and non-polar, with aspartic acid, which is acidic and polar, at codon 1023 of the SLX4 protein (p.Ala1023Asp). This variant is present in population databases (rs769271628, gnomAD 0.01%). This variant has not been reported in the literature in individuals affected with SLX4-related conditions. ClinVar contains an entry for this variant (Variation ID: 885329). Algorithms developed to predict the effect of missense changes on protein structure and function are either unavailable or do not agree on the potential impact of this missense change (SIFT: "Tolerated"; PolyPhen-2: "Possibly Damaging"; Align-GVGD: "Class C0"). In summary, the available evidence is currently insufficient to determine the role of this variant in disease. Therefore, it has been classified as a Variant of Uncertain Significance.

GeneDx
Classification: Uncertain significance. Last evaluated: 2022-02-04. Review status: criteria provided, single submitter. Criteria: GeneDx Variant Classification Process June 2021. Collection method: clinical testing. Allele origin: germline. Affected: yes.
Comment: In silico analysis supports that this missense variant does not alter protein structure/function; Has not been previously published as pathogenic or benign to our knowledge

Genetic Services Laboratory, University of Chicago
Classification: Uncertain significance. Last evaluated: 2019-08-26. Review status: criteria provided, single submitter. Criteria: ACMG Guidelines, 2015. Collection method: clinical testing. Allele origin: germline. Affected: no.

Illumina Laboratory Services, Illumina
Classification: Uncertain significance for Fanconi anemia complementation group P. Last evaluated: 2018-01-12. Review status: criteria provided, single submitter. Criteria: ICSL Variant Classification Criteria 13 December 2019. Collection method: clinical testing. Allele origin: germline.